The following is an entry in ClinVar:

NM_000350.3(ABCA4):c.6208_6209delinsCA (p.Thr2070Gln)

Gene: ABCA4 (ATP binding cassette subfamily A member 4; minus strand). Cytogenetic location: 1p22.1.
Variant type: Indel.
Coding change: c.6208_6209delinsCA on transcript NM_000350.3 (MANE Select); coding-DNA positions 6208 to 6209, AC replaced by CA.
Protein change: p.Thr2070Gln; replaces threonine 2070 with glutamine.
Molecular consequence: missense variant.
Genome position (GRCh38, 1-based): chr1:94,001,931-94,001,932, GT replaced by TG on the plus strand (AC replaced by CA on the coding strand, the reverse complement: ABCA4 is on the minus strand). VCF-style: chr1-94001931-GT-TG. GRCh37 (hg19) VCF-style: chr1-94467487-GT-TG.
Other names: c.5986_5987delACinsCA, p.Thr1996Gln (NM_001425324.1); short protein forms T2070Q, T1996Q.
Identifiers: ClinVar variation 867176 (VCV000867176.6), dbSNP rs1659197672, ClinGen allele CA916082046.

ClinVar aggregate classification (germline): Uncertain significance (1 of 4 stars; one submission).

Submission:

Labcorp Genetics (formerly Invitae), Labcorp
Classification: Uncertain significance. Last evaluated: 2022-03-14. Review status: criteria provided, single submitter. Criteria: Invitae Variant Classification Sherloc (09022015). Collection method: clinical testing. Allele origin: germline.
Comment: In summary, the available evidence is currently insufficient to determine the role of this variant in disease. Therefore, it has been classified as a Variant of Uncertain Significance. Algorithms developed to predict the effect of missense changes on protein structure and function are either unavailable or do not agree on the potential impact of this missense change (SIFT: "Not Available"; PolyPhen-2: "Probably Damaging"; Align-GVGD: "Not Available"). ClinVar contains an entry for this variant (Variation ID: 867176). This variant has not been reported in the literature in individuals affected with ABCA4-related conditions. Information on the frequency of this variant in the gnomAD database is not available, as this variant may be reported differently in the database. This sequence change replaces threonine, which is neutral and polar, with glutamine, which is neutral and polar, at codon 2070 of the ABCA4 protein (p.Thr2070Gln).